The following is an entry in ClinVar:

ClinVar aggregate classification (germline): Benign. Review status: criteria provided, multiple submitters, no conflicts (2 of 4 stars). 3 submissions from 3 submitters: Benign (2). 1 of the submissions does not count toward it. Last evaluated 2019-04-05.

Conditions:
SF3B1-related disorder. Also called: SF3B1-related condition.

Allele frequency attached by ClinVar (database versions not stated): gnomAD exomes 0.65839 and 0.67528; ExAC 0.67169; gnomAD 0.70945 and 0.70992; TOPMed 0.71690; 1000 Genomes Project 0.71845; 1000 Genomes Project 30x 0.72064; ESP Exome Variant Server 0.73597.
gnomAD v4.1: 1,094,196 of 1,611,676 alleles (68%); highest among the groups gnomAD compares: Middle Eastern, 86%; 375,213 homozygotes.

Submissions (3):

GeneDx
Classification: Benign. Last evaluated: 2019-04-05. Review status: criteria provided, single submitter. Criteria: GeneDx Variant Classification Process June 2021. Collection method: clinical testing. Allele origin: germline. Affected: yes.

Breakthrough Genomics
Classification: Benign. Review status: criteria provided, single submitter. Criteria: ACMG Guidelines, 2015. Collection method: not provided. Allele origin: germline. Inheritance: Unknown mechanism. Affected: yes.

PreventionGenetics, part of Exact Sciences
Classification: Benign for SF3B1-related condition. Last evaluated: 2019-10-17. Review status: no assertion criteria provided. Collection method: clinical testing. Allele origin: germline. Not counted in ClinVar's aggregate classification.
Comment: This variant is classified as benign based on ACMG/AMP sequence variant interpretation guidelines (Richards et al. 2015 PMID: 25741868, with internal and published modifications).

NM_012433.4(SF3B1):c.3657A>G (p.Val1219=)

Gene: SF3B1 (splicing factor 3b subunit 1; minus strand). Cytogenetic location: 2q33.1.
Variant type: single nucleotide variant.
Coding change: c.3657A>G on transcript NM_012433.4 (MANE Select); coding-DNA position 3657, A replaced by G.
Protein change: p.Val1219=; no amino-acid change (valine 1219 retained).
Molecular consequence: synonymous variant.
Genome position (GRCh38, 1-based): chr2:197,393,071, T>C on the plus strand (A>G on the coding strand, the complement: SF3B1 is on the minus strand). VCF-style: chr2-197393071-T-C. GRCh37 (hg19) VCF-style: chr2-198257795-T-C.
Other names: c.3657A>G (NM_012433.3).
Identifiers: ClinVar variation 1250652 (VCV001250652.5), dbSNP rs4685, ClinGen allele CA2042343.